The following is an entry in ClinVar:

NM_001370259.2(MEN1):c.27G>T (p.Thr9=)

Gene: MEN1 (menin 1; minus strand). Cytogenetic location: 11q13.1.
Variant type: single nucleotide variant.
Coding change: c.27G>T on transcript NM_001370259.2 (MANE Select); coding-DNA position 27, G replaced by T.
Protein change: p.Thr9=; no amino-acid change (threonine 9 retained).
Molecular consequence: synonymous variant. On other transcripts: non-coding transcript variant (4).
Genome position (GRCh38, 1-based): chr11:64,810,083, C>A on the plus strand (G>T on the coding strand, the complement: MEN1 is on the minus strand). VCF-style: chr11-64810083-C-A. GRCh37 (hg19) VCF-style: chr11-64577555-C-A.
Other names: c.27G>T, p.Thr9= (NM_000244.4, NM_001370251.2, NM_001370260.2 and 20 more transcripts).
Identifiers: ClinVar variation 1796203 (VCV001796203.3), dbSNP rs1190267704, ClinGen allele CA475163320.

ClinVar aggregate classification (germline): Benign/Likely benign. Review status: criteria provided, multiple submitters, no conflicts (2 of 4 stars). 2 submissions from 2 submitters: Benign (1); Likely benign (1). Last evaluated 2024-10-31.

Conditions:
Hereditary cancer-predisposing syndrome. Also called: Neoplastic Syndromes, Hereditary; Tumor predisposition; Hereditary neoplastic syndrome; Hereditary Cancer Syndrome. Identifiers: Orphanet 140162, MedGen C0027672, MeSH D009386, MONDO:0015356.
Multiple endocrine neoplasia, type 1 (MEN1). Also called: MEA I; MEN I; WERMER SYNDROME; Endocrine adenomatosis multiple; MEN 1. Identifiers: Orphanet 652, MedGen C0025267, MeSH D018761, MONDO:0007540, OMIM 131100.

Submissions (2):

Myriad Genetics, Inc.
Classification: Benign for Multiple endocrine neoplasia, type 1. Last evaluated: 2024-10-31. Review status: criteria provided, single submitter. Criteria: Myriad Autosomal Dominant, Autosomal Recessive and X-Linked Classification Criteria (2023). Collection method: clinical testing. Allele origin: unknown.
Comment: This variant is considered benign. This variant is a silent/synonymous amino acid change and it is not expected to impact splicing.

Ambry Genetics
Classification: Likely benign for Hereditary cancer-predisposing syndrome. Last evaluated: 2020-09-13. Review status: criteria provided, single submitter. Criteria: Ambry Variant Classification Scheme 2023. Collection method: clinical testing. Allele origin: germline.